The following is an entry in ClinVar:

NM_205768.3(ZBTB18):c.395C>T (p.Thr132Met)

Gene: ZBTB18 (zinc finger and BTB domain containing 18; plus strand). Cytogenetic location: 1q44.
Variant type: single nucleotide variant.
Coding change: c.395C>T on transcript NM_205768.3 (MANE Select); coding-DNA position 395, C replaced by T.
Protein change: p.Thr132Met; replaces threonine 132 with methionine.
Molecular consequence: missense variant.
Genome position (GRCh38, 1-based): chr1:244,054,169, C>T. VCF-style: chr1-244054169-C-T. GRCh37 (hg19) VCF-style: chr1-244217471-C-T.
Other names: c.368C>T, p.Thr123Met (NM_001278196.2, NM_006352.5); c.395C>T, p.Thr132Met (NM_001421566.1); short protein forms T123M, T132M.
Identifiers: ClinVar variation 2631480 (VCV002631480.1), dbSNP rs1201132417, ClinGen allele CA345672812.

ClinVar aggregate classification (germline): Uncertain significance (1 of 4 stars; one submission).

Conditions:
ZBTB18-related disorder. Also called: ZBTB18-related condition.

Allele frequency attached by ClinVar (database versions not stated): TOPMed 0.00001; gnomAD exomes 0.00002.

Submission:

PreventionGenetics, part of Exact Sciences
Classification: Uncertain significance for ZBTB18-related condition. Last evaluated: 2023-07-14. Review status: criteria provided, single submitter. Criteria: ACMG Guidelines, 2015. Collection method: clinical testing. Allele origin: germline.
Comment: The ZBTB18 c.395C>T variant is predicted to result in the amino acid substitution p.Thr132Met. To our knowledge, this variant has not been reported in the literature. This variant is reported in 0.0029% of alleles in individuals of Latino descent in gnomAD. At this time, the clinical significance of this variant is uncertain due to the absence of conclusive functional and genetic evidence.